The following is an entry in ClinVar:

ClinVar aggregate classification (germline): Likely benign (1 of 4 stars; one submission).

gnomAD v4.1: 8,975 of 1,613,860 alleles (0.56%); highest among the groups gnomAD compares: Non-Finnish European, 0.66%; 36 homozygotes.

Submission:

CeGaT Center for Human Genetics Tuebingen
Classification: Likely benign. Last evaluated: 2026-01-01. Review status: criteria provided, single submitter. Criteria: CeGaT Center For Human Genetics Tuebingen Variant Classification Criteria Version 2. Collection method: clinical testing. Allele origin: germline. Affected: yes. Observed: 1 variant allele.
Comment: SCUBE1: BS2

NM_173050.5(SCUBE1):c.145A>G (p.Ile49Val)

Gene: SCUBE1 (signal peptide, CUB domain and EGF like domain containing 1; minus strand). Cytogenetic location: 22q13.2.
Variant type: single nucleotide variant.
Coding change: c.145A>G on transcript NM_173050.5 (MANE Select); coding-DNA position 145, A replaced by G.
Protein change: p.Ile49Val; replaces isoleucine 49 with valine.
Molecular consequence: missense variant.
Genome position (GRCh38, 1-based): chr22:43,339,179, T>C on the plus strand (A>G on the coding strand, the complement: SCUBE1 is on the minus strand). VCF-style: chr22-43339179-T-C. GRCh37 (hg19) VCF-style: chr22-43735185-T-C.
Other names: short protein forms I49V.
Identifiers: ClinVar variation 4820714 (VCV004820714.4).